The following is an entry in ClinVar:

NM_000237.3(LPL):c.670C>G (p.Gln224Glu)

Gene: LPL (lipoprotein lipase; plus strand). Cytogenetic location: 8p21.3.
Variant type: single nucleotide variant.
Coding change: c.670C>G on transcript NM_000237.3 (MANE Select); coding-DNA position 670, C replaced by G.
Protein change: p.Gln224Glu; replaces glutamine 224 with glutamic acid.
Molecular consequence: missense variant.
Genome position (GRCh38, 1-based): chr8:19,954,248, C>G. VCF-style: chr8-19954248-C-G. GRCh37 (hg19) VCF-style: chr8-19811759-C-G.
Other names: short protein forms Q224E.
Identifiers: ClinVar variation 3867854 (VCV003867854.1).

ClinVar aggregate classification (germline): Uncertain significance (1 of 4 stars; one submission).

Conditions:
Cardiovascular phenotype. Identifiers: MedGen CN230736.

gnomAD v4.1: 3 of 1,614,054 alleles (0.00019%); highest among the groups gnomAD compares: Admixed American, 0.005%; no homozygotes.

Submission:

Ambry Genetics
Classification: Uncertain significance for Cardiovascular phenotype. Last evaluated: 2025-02-06. Review status: criteria provided, single submitter. Criteria: Ambry Variant Classification Scheme 2023. Collection method: clinical testing. Allele origin: germline.
Comment: The p.Q224E variant (also known as c.670C>G), located in coding exon 5 of the LPL gene, results from a C to G substitution at nucleotide position 670. The glutamine at codon 224 is replaced by glutamic acid, an amino acid with highly similar properties. This amino acid position is conserved. In addition, the in silico prediction for this alteration is inconclusive. Based on the available evidence, the clinical significance of this variant remains unclear.